The following is an entry in ClinVar:

NM_003073.5(SMARCB1):c.769C>A (p.Gln257Lys)

Gene: SMARCB1 (SWI/SNF related BAF chromatin remodeling complex subunit B1; plus strand). Cytogenetic location: 22q11.23.
Variant type: single nucleotide variant.
Coding change: c.769C>A on transcript NM_003073.5 (MANE Select); coding-DNA position 769, C replaced by A.
Protein change: p.Gln257Lys; replaces glutamine 257 with lysine.
Molecular consequence: missense variant.
Genome position (GRCh38, 1-based): chr22:23,816,910, C>A. VCF-style: chr22-23816910-C-A. GRCh37 (hg19) VCF-style: chr22-24159097-C-A.
Other names: c.742C>A, p.Gln248Lys (NM_001007468.3); c.796C>A, p.Gln266Lys (NM_001317946.2); c.823C>A, p.Gln275Lys (NM_001362877.2); short protein forms Q248K, Q257K, Q266K, Q275K.
Identifiers: ClinVar variation 1706970 (VCV001706970.2), dbSNP rs2146010429, ClinGen allele CA410901863.

ClinVar aggregate classification (germline): Uncertain significance (1 of 4 stars; one submission).

Submission:

GeneDx
Classification: Uncertain significance. Last evaluated: 2022-03-21. Review status: criteria provided, single submitter. Criteria: GeneDx Variant Classification Process June 2021. Collection method: clinical testing. Allele origin: germline. Affected: yes.
Comment: Not observed at significant frequency in large population cohorts (gnomAD); In silico analysis supports that this missense variant does not alter protein structure/function; Has not been previously published as pathogenic or benign to our knowledge